The following is an entry in ClinVar:

NM_003737.4(DCHS1):c.9839C>T (p.Ser3280Leu)

Gene: DCHS1 (dachsous cadherin-related 1; minus strand). Cytogenetic location: 11p15.4.
Variant type: single nucleotide variant.
Coding change: c.9839C>T on transcript NM_003737.4 (MANE Select); coding-DNA position 9839, C replaced by T.
Protein change: p.Ser3280Leu; replaces serine 3280 with leucine.
Molecular consequence: missense variant.
Genome position (GRCh38, 1-based): chr11:6,621,837, G>A on the plus strand (C>T on the coding strand, the complement: DCHS1 is on the minus strand). VCF-style: chr11-6621837-G-A. GRCh37 (hg19) VCF-style: chr11-6643068-G-A.
Other names: short protein forms S3280L.
Identifiers: ClinVar variation 2870710 (VCV002870710.3), dbSNP rs1025982647, ClinGen allele CA217327662.
Genomic context (GRCh38, chr11:6,621,837, plus strand): 5'-AGCTAGATGTGCAGCTCCGTGTCATCAGGTGGCTCCAGGCCAGACTCTGCGCTGAGTGCT[G>A]AGGCTGAGGGACCCTGGGCCACCCCAAATGGTGAGACAACGGGTGAGCGAGCAGCCAGAG-3'
Protein context (NP_003728.1, residues 3270-3290): PFGVAQGPSA[Ser3280Leu]ALSAESGLEP

ClinVar aggregate classification (germline): Uncertain significance (1 of 4 stars; one submission).

Allele frequency attached by ClinVar (database versions not stated): gnomAD 0.00001; TOPMed 0.00002; gnomAD exomes 0.00001.
gnomAD v4.1: 13 of 1,609,822 alleles (0.00081%); highest among the groups gnomAD compares: Middle Eastern, 0.066%; no homozygotes.

Submission:

Labcorp Genetics (formerly Invitae), Labcorp
Classification: Uncertain significance. Last evaluated: 2025-10-27. Review status: criteria provided, single submitter. Criteria: Invitae Variant Classification Sherloc (09022015). Collection method: clinical testing. Allele origin: germline.
Comment: This sequence change replaces serine, which is neutral and polar, with leucine, which is neutral and non-polar, at codon 3280 of the DCHS1 protein (p.Ser3280Leu). This variant is present in population databases (no rsID available, gnomAD 0.02%). This variant has not been reported in the literature in individuals affected with DCHS1-related conditions. ClinVar contains an entry for this variant (Variation ID: 2870710). Invitae Evidence Modeling of protein sequence and biophysical properties (such as structural, functional, and spatial information, amino acid conservation, physicochemical variation, residue mobility, and thermodynamic stability) indicates that this missense variant is not expected to disrupt DCHS1 protein function with a negative predictive value of 95%. In summary, the available evidence is currently insufficient to determine the role of this variant in disease. Therefore, it has been classified as a Variant of Uncertain Significance.